The following is an entry in ClinVar:

ClinVar aggregate classification (germline): Conflicting classifications of pathogenicity. Review status: criteria provided, conflicting classifications (1 of 4 stars). 3 submissions from 3 submitters: Uncertain significance (2); Likely benign (1). Last evaluated 2026-08-03.

Conditions:
CREBBP-related disorder. Also called: CREBBP-related condition; CREBBP-related disorders.
Rubinstein-Taybi syndrome (RSTS). Identifiers: Orphanet 783, MedGen C0035934, MONDO:0019188.

gnomAD v4.1: 10 of 1,614,232 alleles (0.00062%); highest among the groups gnomAD compares: Non-Finnish European, 0.00085%; no homozygotes.

Submissions (3):

PreventionGenetics, part of Exact Sciences
Classification: Uncertain significance for CREBBP-related condition. Last evaluated: 2026-08-03. Review status: criteria provided, single submitter. Criteria: ACMG Guidelines, 2015. Collection method: clinical testing. Allele origin: germline.
Comment: The CREBBP c.700G>A variant is predicted to result in the amino acid substitution p.Ala234Thr. To our knowledge, this variant has not been reported in the literature. This variant is reported in 0.00088% of alleles in individuals of European (Non-Finnish) descent in gnomAD. Although we suspected that this variant may be benign. At this time, the clinical significance of this variant is uncertain due to the absence of conclusive functional and genetic evidence.

Women's Health and Genetics/Laboratory Corporation of America, LabCorp
Classification: Uncertain significance. Last evaluated: 2024-09-17. Review status: criteria provided, single submitter. Criteria: LabCorp Variant Classification Summary - May 2015. Collection method: clinical testing. Allele origin: germline.
Comment: Variant summary: CREBBP c.700G>A (p.Ala234Thr) results in a non-conservative amino acid change in the encoded protein sequence. Four of five in-silico tools predict a benign effect of the variant on protein function. The variant allele was found at a frequency of 6.2e-06 in 1607258 control chromosomes in the gnomAD database (v4.1 dataset). The occurrence in several carriers suggests that this variant is likely not associated with a high penetrance, severe, early onset disease phenotype in heterozygous state. To our knowledge, no occurrence of c.700G>A in individuals affected with Rubinstein-Taybi Syndrome and no experimental evidence demonstrating its impact on protein function have been reported. ClinVar contains an entry for this variant (Variation ID: 3019622). Based on the evidence outlined above, the variant was classified as uncertain significance.

Labcorp Genetics (formerly Invitae), Labcorp
Classification: Likely benign for Rubinstein-Taybi syndrome. Last evaluated: 2023-02-20. Review status: criteria provided, single submitter. Criteria: Invitae Variant Classification Sherloc (09022015). Collection method: clinical testing. Allele origin: germline.

NM_004380.3(CREBBP):c.700G>A (p.Ala234Thr)

Gene: CREBBP (CREB binding lysine acetyltransferase; minus strand). Cytogenetic location: 16p13.3.
Variant type: single nucleotide variant.
Coding change: c.700G>A on transcript NM_004380.3 (MANE Select); coding-DNA position 700, G replaced by A.
Protein change: p.Ala234Thr; replaces alanine 234 with threonine.
Molecular consequence: missense variant.
Genome position (GRCh38, 1-based): chr16:3,850,395, C>T on the plus strand (G>A on the coding strand, the complement: CREBBP is on the minus strand). VCF-style: chr16-3850395-C-T. GRCh37 (hg19) VCF-style: chr16-3900396-C-T.
Other names: c.700G>A (NM_004380.2); c.700G>A, p.Ala234Thr (NM_001079846.1); short protein forms A234T.
Identifiers: ClinVar variation 3019622 (VCV003019622.7), dbSNP rs1285192047, ClinGen allele CA394559467.
Genomic context (GRCh38, chr16:3,850,395, plus strand): 5'-CGTGACCAGTCATTTGCGGGGAAACCTGCGTTAGGGTCTCAGCCAGCACGCTGCTCGAGG[C>T]GCCCTGCATGGCTGGAGTAGGGTACGGCATTCCAGCTCCCCTTCCTCTGCCAGCAGCCCC-3'
Protein context (NP_004371.2, residues 224-244): MPYPTPAMQG[Ala234Thr]SSSVLAETLT